The following is an entry in ClinVar:

ClinVar aggregate classification (germline): Pathogenic (1 of 4 stars; one submission).

Conditions:
Type A2 brachydactyly (BDA2). Also called: Brachymesophalangy type 2; BRACHYMESOPHALANGY II; MOHR-WRIEDT TYPE BRACHYDACTYLY. Identifiers: Orphanet 93396, MedGen C1832702, MONDO:0007216, OMIM 112600, HP:0009372.
Short stature, facial dysmorphism, and skeletal anomalies with or without cardiac anomalies. Identifiers: MedGen CN294045, MONDO:0031439, MONDO:0060649.

Submission:

Labcorp Genetics (formerly Invitae), Labcorp
Classification: Pathogenic. Last evaluated: 2022-09-09. Review status: criteria provided, single submitter. Criteria: Invitae Variant Classification Sherloc (09022015). Collection method: clinical testing. Allele origin: germline.
Comment: For these reasons, this variant has been classified as Pathogenic. This variant disrupts a region of the BMP2 protein in which other variant(s) (p.Cys329*) have been determined to be pathogenic (PMID: 29198724). This suggests that this is a clinically significant region of the protein, and that variants that disrupt it are likely to be disease-causing. This sequence change creates a premature translational stop signal (p.Glu205*) in the BMP2 gene. While this is not anticipated to result in nonsense mediated decay, it is expected to disrupt the last 192 amino acid(s) of the BMP2 protein. This variant is not present in population databases (gnomAD no frequency). This variant has not been reported in the literature in individuals affected with BMP2-related conditions.

Literature cited by the submitters: PubMed 29198724 (cited by Labcorp Genetics (formerly Invitae), Labcorp).

NM_001200.4(BMP2):c.613G>T (p.Glu205Ter)

Gene: BMP2 (bone morphogenetic protein 2; plus strand). Cytogenetic location: 20p12.3.
Variant type: single nucleotide variant.
Coding change: c.613G>T on transcript NM_001200.4 (MANE Select); coding-DNA position 613, G replaced by T.
Protein change: p.Glu205Ter; replaces glutamic acid 205 with a stop codon.
Molecular consequence: nonsense.
Genome position (GRCh38, 1-based): chr20:6,778,511, G>T. VCF-style: chr20-6778511-G-T. GRCh37 (hg19) VCF-style: chr20-6759158-G-T.
Other names: c.613G>T (NM_001200.3); short protein forms E205*.
Identifiers: ClinVar variation 2127008 (VCV002127008.5), dbSNP rs2514426566, ClinGen allele CA408258726.